The following is an entry in ClinVar:

ClinVar aggregate classification (germline): Likely pathogenic (1 of 4 stars; one submission).

Conditions:
Intellectual disability, X-linked 102 (MRXSSB). Also called: Intellectual developmental disorder, X-linked syndromic, Snijders Blok type. Identifiers: Orphanet 457260, MedGen C5393299, MONDO:0010497, OMIM 300958.

Submission:

Juno Genomics, Hangzhou Juno Genomics, Inc
Classification: Likely pathogenic for Intellectual disability, X-linked 102. Review status: criteria provided, single submitter. Criteria: ACMG Guidelines, 2015. Collection method: clinical testing. Allele origin: germline.
Comment: Absent from controls (or at extremely low frequency if recessive) in Genome Aggregation Database.;Null variant in a gene where loss of function (LOF) is a known mechanism of disease.

NM_001356.5(DDX3X):c.152-2A>T

Gene: DDX3X (DEAD-box helicase 3 X-linked; plus strand). Cytogenetic location: Xp11.4.
Variant type: single nucleotide variant.
Coding change: c.152-2A>T on transcript NM_001356.5 (MANE Select); the canonical splice acceptor site of the intron before coding-DNA position 152, A replaced by T.
Molecular consequence: splice acceptor variant.
Genome position (GRCh38, 1-based): chrX:41,341,482, A>T. VCF-style: chrX-41341482-A-T. GRCh37 (hg19) VCF-style: chrX-41200735-A-T.
Other names: c.152-2A>T (NM_001193416.3); c.104-2A>T (NM_001193417.3); c.-407-2A>T (NM_001363819.1).
Identifiers: ClinVar variation 3383209 (VCV003383209.3).
Genomic context (GRCh38, chrX:41,341,482, plus strand): 5'-ACCTTAACATGGTTCCTATTTCTAATTAATAATAAAATGTATTTGTGCTTTTTTAATCAA[A>T]GGTTTCTACGATAAAGACAGTTCAGGGTGGAGTTCTAGCAAAGATAAGGATGCGTATAGC-3'